The following is an entry in ClinVar:

NM_022041.4(GAN):c.1051G>T (p.Ala351Ser)

Gene: GAN (gigaxonin; plus strand). Cytogenetic location: 16q23.2.
Variant type: single nucleotide variant.
Coding change: c.1051G>T on transcript NM_022041.4 (MANE Select); coding-DNA position 1051, G replaced by T.
Protein change: p.Ala351Ser; replaces alanine 351 with serine.
Molecular consequence: missense variant.
Genome position (GRCh38, 1-based): chr16:81,362,576, G>T. VCF-style: chr16-81362576-G-T. GRCh37 (hg19) VCF-style: chr16-81396181-G-T.
Other names: c.412G>T, p.Ala138Ser (NM_001377486.1); short protein forms A138S, A351S.
Identifiers: ClinVar variation 1967837 (VCV001967837.3), dbSNP rs755366433, ClinGen allele CA8191588.

ClinVar aggregate classification (germline): Uncertain significance (1 of 4 stars; one submission).

Conditions:
Giant axonal neuropathy 1 (GAN1). Also called: GIANT AXONAL NEUROPATHY 1, AUTOSOMAL RECESSIVE; GAN-Related Neurodegeneration. Identifiers: Orphanet 643, MedGen C1850386, MONDO:0009749, OMIM 256850.

Allele frequency attached by ClinVar (database versions not stated): gnomAD exomes below 0.00001; ExAC 0.00002.
gnomAD v4.1: 3 of 1,599,478 alleles (0.00019%); highest among the groups gnomAD compares: Admixed American, 0.005%; no homozygotes.

Submission:

Labcorp Genetics (formerly Invitae), Labcorp
Classification: Uncertain significance for Giant axonal neuropathy 1. Last evaluated: 2022-06-15. Review status: criteria provided, single submitter. Criteria: Invitae Variant Classification Sherloc (09022015). Collection method: clinical testing. Allele origin: germline.
Comment: In summary, the available evidence is currently insufficient to determine the role of this variant in disease. Therefore, it has been classified as a Variant of Uncertain Significance. Algorithms developed to predict the effect of missense changes on protein structure and function output the following: SIFT: "Tolerated"; PolyPhen-2: "Benign"; Align-GVGD: "Class C0". The serine amino acid residue is found in multiple mammalian species, which suggests that this missense change does not adversely affect protein function. This variant has not been reported in the literature in individuals affected with GAN-related conditions. This variant is present in population databases (rs755366433, gnomAD 0.009%). This sequence change replaces alanine, which is neutral and non-polar, with serine, which is neutral and polar, at codon 351 of the GAN protein (p.Ala351Ser).